The following is an entry in ClinVar:

NM_000264.5(PTCH1):c.4059G>A (p.Ala1353=)

Gene: PTCH1 (patched 1; minus strand). Cytogenetic location: 9q22.32.
Variant type: single nucleotide variant.
Coding change: c.4059G>A on transcript NM_000264.5 (MANE Select); coding-DNA position 4059, G replaced by A.
Protein change: p.Ala1353=; no amino-acid change (alanine 1353 retained).
Molecular consequence: synonymous variant. On other transcripts: non-coding transcript variant (1).
Genome position (GRCh38, 1-based): chr9:95,447,197, C>T on the plus strand (G>A on the coding strand, the complement: PTCH1 is on the minus strand). VCF-style: chr9-95447197-C-T. GRCh37 (hg19) VCF-style: chr9-98209479-C-T.
Other names: c.3861G>A, p.Ala1287= (NM_001083602.3); c.4056G>A, p.Ala1352= (NM_001083603.3); c.3606G>A, p.Ala1202= (NM_001083604.3, NM_001083605.3, NM_001083606.3 and 1 more transcripts); c.3903G>A, p.Ala1301= (NM_001354918.2).
Identifiers: ClinVar variation 486184 (VCV000486184.40), dbSNP rs368110756, ClinGen allele CA5137965.

ClinVar aggregate classification (germline): Benign/Likely benign. Review status: criteria provided, multiple submitters, no conflicts (2 of 4 stars). 5 submissions from 5 submitters: Benign (1); Likely benign (3). 1 of the submissions does not count toward it. Last evaluated 2026-02-04.

Conditions:
Hereditary cancer-predisposing syndrome. Also called: Hereditary neoplastic syndrome; Neoplastic Syndromes, Hereditary; Hereditary Cancer Syndrome; Tumor predisposition. Identifiers: Orphanet 140162, MedGen C0027672, MeSH D009386, MONDO:0015356.
Gorlin syndrome. Also called: Nevoid Basal Cell Carcinoma Syndrome; Basal cell nevus syndrome. Identifiers: Orphanet 377, MedGen C0004779, MONDO:0007187.
PTCH1-related disorder. Also called: PTCH1-related disorders; PTCH1-related condition.
Basal cell nevus syndrome 1 (BCNS1). Also called: GORLIN-GOLTZ SYNDROME; MULTIPLE BASAL CELL NEVI, ODONTOGENIC KERATOCYSTS, AND SKELETAL ANOMALIES. Identifiers: MedGen CN376810, MONDO:0958174, OMIM 109400.

Allele frequency attached by ClinVar (database versions not stated): ExAC 0.00003; gnomAD 0.00003 and 0.00004; gnomAD exomes 0.00003 and 0.00002; ESP Exome Variant Server 0.00008; TOPMed 0.00002.
gnomAD v4.1: 45 of 1,612,862 alleles (0.0028%); highest among the groups gnomAD compares: Middle Eastern, 0.016%; no homozygotes.

Submissions (5):

Labcorp Genetics (formerly Invitae), Labcorp
Classification: Likely benign for Gorlin syndrome. Last evaluated: 2026-02-04. Review status: criteria provided, single submitter. Criteria: Invitae Variant Classification Sherloc (09022015). Collection method: clinical testing. Allele origin: germline.

KCCC/NGS Laboratory, Kuwait Cancer Control Center
Classification: Benign for Basal cell nevus syndrome 1. Last evaluated: 2025-02-01. Review status: criteria provided, single submitter. Criteria: ACMG Guidelines, 2015. Collection method: clinical testing. Allele origin: germline. Affected: no.

CeGaT Center for Human Genetics Tuebingen
Classification: Likely benign. Last evaluated: 2024-01-01. Review status: criteria provided, single submitter. Criteria: CeGaT Center For Human Genetics Tuebingen Variant Classification Criteria Version 2. Collection method: clinical testing. Allele origin: germline. Affected: yes. Observed: 1 variant allele.
Comment: PTCH1: BP4, BP7

Ambry Genetics
Classification: Likely benign for Hereditary cancer-predisposing syndrome. Last evaluated: 2017-06-28. Review status: criteria provided, single submitter. Criteria: Ambry Variant Classification Scheme 2023. Collection method: clinical testing. Allele origin: germline.

PreventionGenetics, part of Exact Sciences
Classification: Likely benign for PTCH1-related condition. Last evaluated: 2024-02-20. Review status: no assertion criteria provided. Collection method: clinical testing. Allele origin: germline. Not counted in ClinVar's aggregate classification.
Comment: This variant is classified as likely benign based on ACMG/AMP sequence variant interpretation guidelines (Richards et al. 2015 PMID: 25741868, with internal and published modifications).